The following is an entry in ClinVar:

NM_003412.4(ZIC1):c.239A>G (p.His80Arg)

Gene: ZIC1 (Zic family member 1; plus strand). Cytogenetic location: 3q24.
Variant type: single nucleotide variant.
Coding change: c.239A>G on transcript NM_003412.4 (MANE Select); coding-DNA position 239, A replaced by G.
Protein change: p.His80Arg; replaces histidine 80 with arginine.
Molecular consequence: missense variant.
Genome position (GRCh38, 1-based): chr3:147,410,351, A>G. VCF-style: chr3-147410351-A-G. GRCh37 (hg19) VCF-style: chr3-147128138-A-G.
Other names: short protein forms H80R.
Identifiers: ClinVar variation 3391398 (VCV003391398.1).
Genomic context (GRCh38, chr3:147,410,351, plus strand): 5'-GCCAGACGGCCTTCACGTCGCAGGCGCCAGGCTACGCGGCTGCTGCGGCCCTGGGCCATC[A>G]CCATCACCCGGGCCACGTCGGCTCCTATTCCAGCGCAGCCTTCAACTCCACGCGGGACTT-3'
Protein context (NP_003403.2, residues 70-90): GYAAAAALGH[His80Arg]HHPGHVGSYS

ClinVar aggregate classification (germline): Uncertain significance (1 of 4 stars; one submission).

Conditions:
Structural brain anomalies with impaired intellectual development and craniosynostosis. Identifiers: MedGen C5231485, MONDO:0032892, OMIM 618736.

gnomAD v4.1: 1 of 1,600,836 alleles (0.000062%); highest among the groups gnomAD compares: South Asian, 0.0011%; no homozygotes.

Submission:

Neuberg Centre For Genomic Medicine, NCGM
Classification: Uncertain significance for Structural brain anomalies with impaired intellectual development and craniosynostosis. Last evaluated: 2023-06-22. Review status: criteria provided, single submitter. Criteria: ACMG Guidelines, 2015. Collection method: clinical testing. Allele origin: germline. Inheritance: Autosomal dominant inheritance. Affected: yes.
Comment: The missense c.239A>G p.His80Arg variant in the ZIC1 gene has not been reported previously as a pathogenic variant nor as a benign variant, to our knowledge. This variant is reported with the allele frequency 0.0004% in the gnomAD Exomes. The amino acid Histidine at position 80 is changed to a Arginine changing protein sequence and it might alter its composition and physico-chemical properties. Computational evidence Polyphen - Damaging, SIFT - Tolerated and MutationTaster - Disease causing predicts conflicting evidence on protein structure and function for this variant. The amino acid Histidine in ZIC1 is predicted as conserved by GERP++ and PhyloP across 100 vertebrates. For these reasons, this variant has been classified as Uncertain Significance.